The following is an entry in ClinVar:

NM_015978.3(TNNI3K):c.235+1G>A

Genes: FPGT-TNNI3K (FPGT-TNNI3K readthrough; plus strand), TNNI3K (TNNI3 interacting kinase; plus strand). Cytogenetic location: 1p31.1.
Variant type: single nucleotide variant.
Coding change: c.235+1G>A on transcript NM_015978.3 (MANE Select); the canonical splice donor site of the intron after coding-DNA position 235, G replaced by A.
Molecular consequence: splice donor variant.
Genome position (GRCh38, 1-based): chr1:74,249,545, G>A. VCF-style: chr1-74249545-G-A. GRCh37 (hg19) VCF-style: chr1-74715229-G-A.
Other names: c.538+1G>A (NM_001112808.3, NM_001199327.2).
Identifiers: ClinVar variation 2104055 (VCV002104055.4), dbSNP rs1654798958, ClinGen allele CA340788062.

ClinVar aggregate classification (germline): Uncertain significance (1 of 4 stars; one submission).

Allele frequency attached by ClinVar (database versions not stated): TOPMed below 0.00001.
gnomAD v4.1: 1 of 1,613,102 alleles (0.000062%); highest among the groups gnomAD compares: Non-Finnish European, 0.000085%; no homozygotes.

Submission:

Labcorp Genetics (formerly Invitae), Labcorp
Classification: Uncertain significance. Last evaluated: 2025-08-26. Review status: criteria provided, single submitter. Criteria: Invitae Variant Classification Sherloc (09022015). Collection method: clinical testing. Allele origin: germline.
Comment: This sequence change affects a donor splice site in intron 3 of the TNNI3K gene. It is expected to disrupt RNA splicing. Variants that disrupt the donor or acceptor splice site typically lead to a loss of protein function (PMID: 16199547), however the current clinical and genetic evidence is not sufficient to establish whether loss-of-function variants in TNNI3K cause disease. This variant is not present in population databases (gnomAD no frequency). This variant has not been reported in the literature in individuals affected with TNNI3K-related conditions. ClinVar contains an entry for this variant (Variation ID: 2104055). Algorithms developed to predict the effect of sequence changes on RNA splicing suggest that this variant may disrupt the consensus splice site. In summary, the available evidence is currently insufficient to determine the role of this variant in disease. Therefore, it has been classified as a Variant of Uncertain Significance.

Literature cited by the submitters: PubMed 16199547.